The following is an entry in ClinVar:

NM_000215.4(JAK3):c.*1197G>A

Gene: JAK3 (Janus kinase 3; minus strand). Cytogenetic location: 19p13.11.
Variant type: single nucleotide variant.
Coding change: c.*1197G>A on transcript NM_000215.4 (MANE Select); 1197 bases downstream of the stop codon, G replaced by A.
Molecular consequence: 3 prime UTR variant.
Genome position (GRCh38, 1-based): chr19:17,825,546, C>T on the plus strand (G>A on the coding strand, the complement: JAK3 is on the minus strand). VCF-style: chr19-17825546-C-T. GRCh37 (hg19) VCF-style: chr19-17936355-C-T.
Identifiers: ClinVar variation 328474 (VCV000328474.5), dbSNP rs3213415, ClinGen allele CA10652313.

ClinVar aggregate classification (germline): Likely benign (1 of 4 stars; one submission).

Conditions:
T-B+ severe combined immunodeficiency due to JAK3 deficiency. Also called: SCID, autosomal recessive, T-negative/B-positive type; SCID, T CELL-NEGATIVE, B CELL-POSITIVE, NK CELL-NEGATIVE. Identifiers: Orphanet 35078, MedGen C1833275, MONDO:0010938, OMIM 600802.

Allele frequency attached by ClinVar (database versions not stated): gnomAD 0.00736 and 0.00738; gnomAD exomes 0.00792; 1000 Genomes Project 30x 0.00515; 1000 Genomes Project 0.00519; TOPMed 0.00739.
gnomAD v4.1: 1,502 of 199,536 alleles (0.75%); highest among the groups gnomAD compares: Middle Eastern, 1.9%; 9 homozygotes.

Submission:

Illumina Laboratory Services, Illumina
Classification: Likely benign for T-B+ severe combined immunodeficiency due to JAK3 deficiency. Last evaluated: 2018-01-12. Review status: criteria provided, single submitter. Criteria: ICSL Variant Classification Criteria 13 December 2019. Collection method: clinical testing. Allele origin: germline.
Comment: This variant was observed in the ICSL laboratory as part of a predisposition screen in an ostensibly healthy population. It had not been previously curated by ICSL or reported in the Human Gene Mutation Database (HGMD: prior to June 1st, 2018), and was therefore a candidate for classification through an automated scoring system. Utilizing variant allele frequency, disease prevalence and penetrance estimates, and inheritance mode, an automated score was calculated to assess if this variant is too frequent to cause the disease. Based on the score and internal cut-off values, a variant classified as likely benign is not then subjected to further curation. The score for this variant resulted in a classification of likely benign for this disease.